The following is an entry in ClinVar:

ClinVar aggregate classification (germline): Uncertain significance. Review status: criteria provided, multiple submitters, no conflicts (2 of 4 stars). 2 submissions from 2 submitters: Uncertain significance (2). Last evaluated 2025-07-16.

Conditions:
Left-right axis malformations. Identifiers: MedGen C1866091.

gnomAD v4.1: 17 of 1,612,590 alleles (0.0011%); highest among the groups gnomAD compares: Middle Eastern, 0.017%; no homozygotes.

Submissions (2):

Ambry Genetics
Classification: Uncertain significance. Last evaluated: 2025-07-16. Review status: criteria provided, single submitter. Criteria: Ambry Variant Classification Scheme 2023. Collection method: clinical testing. Allele origin: germline.

Labcorp Genetics (formerly Invitae), Labcorp
Classification: Uncertain significance for Left-right axis malformations. Last evaluated: 2024-02-22. Review status: criteria provided, single submitter. Criteria: Invitae Variant Classification Sherloc (09022015). Collection method: clinical testing. Allele origin: germline.
Comment: This sequence change replaces glutamic acid, which is acidic and polar, with lysine, which is basic and polar, at codon 39 of the LEFTY2 protein (p.Glu39Lys). This variant is present in population databases (rs749195036, gnomAD 0.009%). This variant has not been reported in the literature in individuals affected with LEFTY2-related conditions. Advanced modeling of protein sequence and biophysical properties (such as structural, functional, and spatial information, amino acid conservation, physicochemical variation, residue mobility, and thermodynamic stability) performed at Invitae indicates that this missense variant is not expected to disrupt LEFTY2 protein function with a negative predictive value of 80%. In summary, the available evidence is currently insufficient to determine the role of this variant in disease. Therefore, it has been classified as a Variant of Uncertain Significance.

NM_003240.5(LEFTY2):c.115G>A (p.Glu39Lys)

Gene: LEFTY2 (left-right determination factor 2; minus strand). Cytogenetic location: 1q42.12.
Variant type: single nucleotide variant.
Coding change: c.115G>A on transcript NM_003240.5 (MANE Select); coding-DNA position 115, G replaced by A.
Protein change: p.Glu39Lys; replaces glutamic acid 39 with lysine.
Molecular consequence: missense variant.
Genome position (GRCh38, 1-based): chr1:225,941,026, C>T on the plus strand (G>A on the coding strand, the complement: LEFTY2 is on the minus strand). VCF-style: chr1-225941026-C-T. GRCh37 (hg19) VCF-style: chr1-226128726-C-T.
Other names: c.115G>A, p.Glu39Lys (NM_001172425.3); c.115G>A (NM_003240.3); short protein forms E39K.
Identifiers: ClinVar variation 3672191 (VCV003672191.3).
Genomic context (GRCh38, chr1:225,941,026, plus strand): 5'-CCCTCACGTGGGCGGGGATGACCAGCTTCTCCATGTCGGCCCTGTCCAGTACGGGCACCT[C>T]GCTGAGCTGCAGCTGCCGCAGCAGGCTGCCCAGGAGCTGCTCCTCGGTCAGGGCCGCCCC-3'
Protein context (NP_003231.2, residues 29-49): GSLLRQLQLS[Glu39Lys]VPVLDRADME